The following is an entry in ClinVar:

ClinVar aggregate classification (germline): Conflicting classifications of pathogenicity. Review status: criteria provided, conflicting classifications (1 of 4 stars). 5 submissions from 5 submitters: Uncertain significance (2); Likely benign (2). 1 of the submissions does not count toward it. Last evaluated 2025-08-20.

Conditions:
Hereditary breast ovarian cancer syndrome. Also called: Hereditary breast and ovarian cancer syndrome (HBOC); Hereditary breast and ovarian cancer; BRCA1- and BRCA2-Associated Hereditary Breast and Ovarian Cancer; Breast and ovarian cancer; Hereditary breast and ovarian cancer syndrome; Hereditary breast and/or ovarian cancer syndrome. Identifiers: Orphanet 145, MedGen C0677776, MeSH D061325, MONDO:0003582. Disease mechanism: loss of function.
Breast-ovarian cancer, familial, susceptibility to, 1 (BROVCA1). Also called: OVARIAN CANCER, SUSCEPTIBILITY TO; BRCA1 Hereditary Breast and Ovarian Cancer. Identifiers: Orphanet 145, MedGen C2676676, MONDO:0011450, OMIM 604370. Disease mechanism: loss of function.
Hereditary cancer-predisposing syndrome. Also called: Hereditary neoplastic syndrome; Tumor predisposition; Hereditary Cancer Syndrome; Neoplastic Syndromes, Hereditary. Identifiers: Orphanet 140162, MedGen C0027672, MeSH D009386, MONDO:0015356.

Allele frequency attached by ClinVar (database versions not stated): TOPMed below 0.00001.

Submissions (6):

Color Diagnostics, LLC DBA Color Health
Classification: Likely benign for Hereditary cancer-predisposing syndrome. Last evaluated: 2025-08-20. Review status: criteria provided, single submitter. Criteria: ACMG Guidelines, 2015. Collection method: clinical testing. Allele origin: germline.

Labcorp Genetics (formerly Invitae), Labcorp
Classification: Uncertain significance for Hereditary breast ovarian cancer syndrome. Last evaluated: 2024-07-19. Review status: criteria provided, single submitter. Criteria: Invitae Variant Classification Sherloc (09022015). Collection method: clinical testing. Allele origin: germline.
Comment: This sequence change replaces valine, which is neutral and non-polar, with glycine, which is neutral and non-polar, at codon 1632 of the BRCA1 protein (p.Val1632Gly). This variant is not present in population databases (gnomAD no frequency). This missense change has been observed in individual(s) with breast cancer (PMID: 30254663). ClinVar contains an entry for this variant (Variation ID: 630951). Advanced modeling performed at Invitae incorporating data from internal and/or published experimental studies (PMID: 30209399) indicates that this missense variant is not expected to disrupt BRCA1 function with a negative predictive value of 95%. Experimental studies have shown that this missense change does not substantially affect BRCA1 function (PMID: 30209399). In summary, the available evidence is currently insufficient to determine the role of this variant in disease. Therefore, it has been classified as a Variant of Uncertain Significance.

All of Us Research Program, National Institutes of Health
Classification: Uncertain significance for Breast-ovarian cancer, familial, susceptibility to, 1. Last evaluated: 2023-11-30. Review status: criteria provided, single submitter. Criteria: ACMG Guidelines, 2015. Collection method: clinical testing. Allele origin: germline. Inheritance: Autosomal dominant inheritance. Observed: 1 variant allele, 1 heterozygote.
Comment: This study involves interpretation of variants in research participants for the purpose of population health screening. Participant phenotype was not available at the time of variant classification. Additional details can be found in publication PMID: 35346344, PMCID: PMC8962531

Ambry Genetics
Classification: Likely benign for Hereditary cancer-predisposing syndrome. Last evaluated: 2021-06-18. Review status: criteria provided, single submitter. Criteria: Ambry Variant Classification Scheme 2023. Collection method: clinical testing. Allele origin: germline.

Department of Medical and Surgical Sciences, University of Bologna
Classification: Benign for Breast-ovarian cancer, familial, susceptibility to, 1. Last evaluated: 2023-09-01. Review status: no assertion criteria provided. Collection method: clinical testing. Allele origin: germline. Affected: yes. Not counted in ClinVar's aggregate classification.
Comment: PM2(Supporting)+BS3(Strong)+BP1(Strong) according to ACMG/AMP classification guidelines specified for BRCA1 & BRCA2 (Classification Criteria V1.0.0 2023-09-08) (PMID: 38160042)

Brotman Baty Institute, University of Washington
No classification provided (evidence only). Condition: Breast-ovarian cancer, familial 1. Review status: no classification provided. Collection method: in vitro. Allele origin: not applicable. Functional consequence: functionally_normal. Not counted in ClinVar's aggregate classification.
ClinVar note: "not provided" was previously submitted as the classification for the variant. However, the classification appeared to be based only on an observation of functional data so it was converted to no classification on 2025-07-30.

Literature cited by the submitters: PubMed 30254663 (cited by Labcorp Genetics (formerly Invitae), Labcorp and Ambry Genetics); PubMed 30209399 (cited by Labcorp Genetics (formerly Invitae), Labcorp and Ambry Genetics).

NM_007294.4(BRCA1):c.4895T>G (p.Val1632Gly)

Gene: BRCA1 (BRCA1 DNA repair associated; minus strand). Cytogenetic location: 17q21.31.
Variant type: single nucleotide variant.
Coding change: c.4895T>G on transcript NM_007294.4 (MANE Select); coding-DNA position 4895, T replaced by G.
Protein change: p.Val1632Gly; replaces valine 1632 with glycine.
Molecular consequence: missense variant. On other transcripts: non-coding transcript variant (1).
Genome position (GRCh38, 1-based): chr17:43,071,019, A>C on the plus strand (T>G on the coding strand, the complement: BRCA1 is on the minus strand). VCF-style: chr17-43071019-A-C. GRCh37 (hg19) VCF-style: chr17-41223036-A-C.
Other names: c.4682T>G, p.Val1561Gly (NM_001407571.1, NM_001407900.1, NM_001407902.1 and 12 more transcripts); c.4961T>G, p.Val1654Gly (NM_001407581.1, NM_001407582.1); c.4958T>G, p.Val1653Gly (NM_001407583.1, NM_001407585.1, NM_001407587.1 and 1 more transcripts); c.4955T>G, p.Val1652Gly (NM_001407590.1, NM_001407591.1); c.4895T>G, p.Val1632Gly (NM_001407593.1, NM_001407594.1, NM_001407596.1 and 8 more transcripts); c.4892T>G, p.Val1631Gly (NM_001407610.1, NM_001407611.1, NM_001407612.1 and 17 more transcripts); c.4889T>G, p.Val1630Gly (NM_001407629.1, NM_001407630.1, NM_001407631.1 and 14 more transcripts); c.4835T>G, p.Val1612Gly (NM_001407649.1); and 70 more; short protein forms V1632G, V1585G, V528G, V1653G, V1504G, V1521G, V1544G, V1560G.
Identifiers: ClinVar variation 630951 (VCV000630951.22), dbSNP rs1397965282, ClinGen allele CA10591734.